The following is an entry in ClinVar:

ClinVar aggregate classification (germline): Likely pathogenic (1 of 4 stars; one submission).

Conditions:
Oligodontia-cancer predisposition syndrome. Also called: TOOTH AGENESIS-COLORECTAL CANCER SYNDROME. Identifiers: Orphanet 300576, MedGen C1837750, MONDO:0012075, OMIM 608615. Disease mechanism: loss of function.

Submission:

Labcorp Genetics (formerly Invitae), Labcorp
Classification: Likely pathogenic for Oligodontia-cancer predisposition syndrome. Last evaluated: 2022-02-20. Review status: criteria provided, single submitter. Criteria: Invitae Variant Classification Sherloc (09022015). Collection method: clinical testing. Allele origin: germline.
Comment: In summary, the currently available evidence indicates that the variant is pathogenic, but additional data are needed to prove that conclusively. Therefore, this variant has been classified as Likely Pathogenic. Algorithms developed to predict the effect of sequence changes on RNA splicing suggest that this variant may disrupt the consensus splice site. This variant has not been reported in the literature in individuals affected with AXIN2-related conditions. This variant is not present in population databases (gnomAD no frequency). This sequence change affects a donor splice site in intron 8 of the AXIN2 gene. It is expected to disrupt RNA splicing. Variants that disrupt the donor or acceptor splice site typically lead to a loss of protein function (PMID: 16199547), and loss-of-function variants in AXIN2 are known to be pathogenic (PMID: 15042511, 21416598).

Literature cited by the submitters: PubMed 16199547; PubMed 15042511; PubMed 21416598.

NM_004655.4(AXIN2):c.2141+2T>C

Gene: AXIN2 (axin 2; minus strand). Cytogenetic location: 17q24.1.
Variant type: single nucleotide variant.
Coding change: c.2141+2T>C on transcript NM_004655.4 (MANE Select); the canonical splice donor site of the intron after coding-DNA position 2141, T replaced by C.
Molecular consequence: splice donor variant.
Genome position (GRCh38, 1-based): chr17:65,536,318, A>G on the plus strand (T>C on the coding strand, the complement: AXIN2 is on the minus strand). VCF-style: chr17-65536318-A-G. GRCh37 (hg19) VCF-style: chr17-63532436-A-G.
Other names: c.1946+2T>C (NM_001363813.1).
Identifiers: ClinVar variation 1489835 (VCV001489835.6), dbSNP rs2144438870, ClinGen allele CA400675897.